The following is an entry in ClinVar:

NM_001122681.2(SH3BP2):c.*4179C>T

Gene: SH3BP2 (SH3 domain binding protein 2; plus strand). Cytogenetic location: 4p16.3.
Variant type: single nucleotide variant.
Coding change: c.*4179C>T on transcript NM_001122681.2 (MANE Select); 4179 bases downstream of the stop codon, C replaced by T.
Molecular consequence: 3 prime UTR variant.
Genome position (GRCh38, 1-based): chr4:2,838,013, C>T. VCF-style: chr4-2838013-C-T. GRCh37 (hg19) VCF-style: chr4-2839740-C-T.
Other names: c.*4179C>T (LRG_1334t2, LRG_1334t1, NM_001145855.2 and 2 more transcripts).
Identifiers: ClinVar variation 348672 (VCV000348672.5), dbSNP rs111890780, ClinGen allele CA10620970.
Genomic context (GRCh38, chr4:2,838,013, plus strand): 5'-TTTGATGGGTACAGAGCAGACCCCTACCTGTCTACCCTCCTTCGGACCCCTAGGAAGCTT[C>T]GCAGGCCTTCCAGGCTGCCAGACAGCTGCCCTGGCGTTGCCGTCTGCTTCTTCCCTGGCC-3'

ClinVar aggregate classification (germline): Benign (1 of 4 stars; one submission).

Conditions:
Fibrous dysplasia of jaw (CRBM). Also called: Cherubism. Identifiers: Orphanet 184, MedGen C0008029, MONDO:0007315, OMIM 118400.

Allele frequency attached by ClinVar (database versions not stated): gnomAD 0.00185; TOPMed 0.00325; 1000 Genomes Project 0.00399; 1000 Genomes Project 30x 0.00437.

Submission:

Illumina Laboratory Services, Illumina
Classification: Benign for Fibrous dysplasia of jaw. Last evaluated: 2018-01-13. Review status: criteria provided, single submitter. Criteria: ICSL Variant Classification Criteria 13 December 2019. Collection method: clinical testing. Allele origin: germline.
Comment: This variant was observed in the ICSL laboratory as part of a predisposition screen in an ostensibly healthy population. It had not been previously curated by ICSL or reported in the Human Gene Mutation Database (HGMD: prior to June 1st, 2018), and was therefore a candidate for classification through an automated scoring system. Utilizing variant allele frequency, disease prevalence and penetrance estimates, and inheritance mode, an automated score was calculated to assess if this variant is too frequent to cause the disease. Based on the score and internal cut-off values, a variant classified as benign is not then subjected to further curation. The score for this variant resulted in a classification of benign for this disease.